The following is an entry in ClinVar:

NM_002249.6(KCNN3):c.1161G>A (p.Thr387=)

Gene: KCNN3 (potassium calcium-activated channel subfamily N member 3; minus strand). Cytogenetic location: 1q21.3.
Variant type: single nucleotide variant.
Coding change: c.1161G>A on transcript NM_002249.6 (MANE Select); coding-DNA position 1161, G replaced by A.
Protein change: p.Thr387=; no amino-acid change (threonine 387 retained).
Molecular consequence: synonymous variant.
Genome position (GRCh38, 1-based): chr1:154,772,262, C>T on the plus strand (G>A on the coding strand, the complement: KCNN3 is on the minus strand). VCF-style: chr1-154772262-C-T. GRCh37 (hg19) VCF-style: chr1-154744738-C-T.
Other names: c.1161G>A, p.Thr387= (NM_001204087.2); c.222G>A, p.Thr74= (NM_001365837.1, NM_001365838.1); c.246G>A, p.Thr82= (NM_170782.3).
Identifiers: ClinVar variation 4875292 (VCV004875292.2).

ClinVar aggregate classification (germline): Likely benign (1 of 4 stars; one submission).

Submission:

CeGaT Center for Human Genetics Tuebingen
Classification: Likely benign. Last evaluated: 2026-08-01. Review status: criteria provided, single submitter. Criteria: CeGaT Center For Human Genetics Tuebingen Variant Classification Criteria Version 2. Collection method: clinical testing. Allele origin: germline. Affected: yes. Observed: 2 variant alleles.
Comment: KCNN3: BP4, BP7